The following is an entry in ClinVar:

NM_001395002.1(MAP4K4):c.1013G>C (p.Gly338Ala)

Gene: MAP4K4 (mitogen-activated protein kinase kinase kinase kinase 4; plus strand). Cytogenetic location: 2q11.2.
Variant type: single nucleotide variant.
Coding change: c.1013G>C on transcript NM_001395002.1 (MANE Select); coding-DNA position 1013, G replaced by C.
Protein change: p.Gly338Ala; replaces glycine 338 with alanine.
Molecular consequence: missense variant. On other transcripts: non-coding transcript variant (4).
Genome position (GRCh38, 1-based): chr2:101,842,672, G>C. VCF-style: chr2-101842672-G-C. GRCh37 (hg19) VCF-style: chr2-102459134-G-C.
Other names: c.1013G>C, p.Gly338Ala (NM_001242559.2, NM_001242560.2, NM_001384476.1 and 28 more transcripts); c.986G>C, p.Gly329Ala (NM_001384549.1, NM_001384550.1, NM_001384551.1 and 16 more transcripts); short protein forms G329A, G338A.
Identifiers: ClinVar variation 3370257 (VCV003370257.1).
Genomic context (GRCh38, chr2:101,842,672, plus strand): 5'-AAACTGAGTATGAGTACAGTGGGAGTGAGGAAGAAGAGGAGGAAGTGCCTGAACAGGAAG[G>C]AGAGCCAAGGTAACCACAAAGCCACTGTTCAGTATCCTGCTTTATGAAGGGATTAAGTTT-3'
Protein context (NP_001381931.1, residues 328-348): EEEEEVPEQE[Gly338Ala]EPSSIVNVPG

ClinVar aggregate classification (germline): Uncertain significance (1 of 4 stars; one submission).

Submission:

GeneDx
Classification: Uncertain significance. Last evaluated: 2023-12-22. Review status: criteria provided, single submitter. Criteria: GeneDx Variant Classification Process June 2021. Collection method: clinical testing. Allele origin: germline. Affected: yes.
Comment: Not observed at significant frequency in large population cohorts (gnomAD); In silico analysis supports that this missense variant has a deleterious effect on protein structure/function; Has not been previously published as pathogenic or benign to our knowledge